The following is an entry in ClinVar:

ClinVar aggregate classification (germline): Uncertain significance (1 of 4 stars; one submission).

gnomAD v4.1: 1 of 1,613,998 alleles (0.000062%); highest among the groups gnomAD compares: Non-Finnish European, 0.000085%; no homozygotes.

Submission:

Labcorp Genetics (formerly Invitae), Labcorp
Classification: Uncertain significance. Last evaluated: 2025-07-22. Review status: criteria provided, single submitter. Criteria: Invitae Variant Classification Sherloc (09022015). Collection method: clinical testing. Allele origin: germline.
Comment: This sequence change replaces serine, which is neutral and polar, with arginine, which is basic and polar, at codon 270 of the CELSR2 protein (p.Ser270Arg). This variant is present in population databases (rs746313119, gnomAD 0.0009%). This variant has not been reported in the literature in individuals affected with CELSR2-related conditions. Invitae Evidence Modeling of protein sequence and biophysical properties (such as structural, functional, and spatial information, amino acid conservation, physicochemical variation, residue mobility, and thermodynamic stability) indicates that this missense variant is not expected to disrupt CELSR2 protein function with a negative predictive value of 80%. In summary, the available evidence is currently insufficient to determine the role of this variant in disease. Therefore, it has been classified as a Variant of Uncertain Significance.

NM_001408.3(CELSR2):c.808A>C (p.Ser270Arg)

Gene: CELSR2 (cadherin EGF LAG seven-pass G-type receptor 2; plus strand). Cytogenetic location: 1p13.3.
Variant type: single nucleotide variant.
Coding change: c.808A>C on transcript NM_001408.3 (MANE Select); coding-DNA position 808, A replaced by C.
Protein change: p.Ser270Arg; replaces serine 270 with arginine.
Molecular consequence: missense variant.
Genome position (GRCh38, 1-based): chr1:109,250,887, A>C. VCF-style: chr1-109250887-A-C. GRCh37 (hg19) VCF-style: chr1-109793509-A-C.
Other names: short protein forms S270R.
Identifiers: ClinVar variation 4776853 (VCV004776853.1).